The following is an entry in ClinVar:

ClinVar aggregate classification (germline): Likely pathogenic (1 of 4 stars; one submission).

Conditions:
Autosomal recessive Alport syndrome (ATS2). Also called: Alport syndrome type 2; COL4A4 Alport Syndrome and Thin Basement Membrane Nephropathy; ALPORT SYNDROME 2, AUTOSOMAL RECESSIVE; COL4A3-Related Nephropathy. Identifiers: Orphanet 63, Orphanet 88919, MedGen C4746745, MONDO:0008762, OMIM 203780.

Submission:

Myriad Genetics, Inc.
Classification: Likely pathogenic for Autosomal recessive Alport syndrome. Last evaluated: 2021-12-16. Review status: criteria provided, single submitter. Criteria: Myriad Women's Health Autosomal Recessive and X-Linked Classification Criteria (2021). Collection method: clinical testing. Allele origin: unknown.
Comment: NM_000091.4(COL4A3):c.1879delC(Q627Rfs*120) is expected to be pathogenic in the context of COL4A3-related Alport syndrome. This variant is predicted to lead to an abnormal or absent protein product due to the creation of a premature termination codon in COL4A3, a gene where loss-of-function variants are known to be pathogenic. Please note: this variant was assessed in the context of healthy population screening.

NM_000091.5(COL4A3):c.1879del (p.Gln627fs)

Genes: COL4A3 (collagen type IV alpha 3 chain; plus strand), MFF-DT (MFF divergent transcript; minus strand). Cytogenetic location: 2q36.3.
Variant type: Deletion.
Coding change: c.1879del on transcript NM_000091.5 (MANE Select); coding-DNA position 1879, one base deleted (C; older notation c.1879delC).
Protein change: p.Gln627fs; shifts the reading frame from glutamine 627.
Molecular consequence: frameshift variant.
Genome position (GRCh38, 1-based): chr2:227,273,069, C deleted; the last of 2 consecutive C bases (chr2:227,273,068-227,273,069); deleting either gives the same sequence. VCF-style (leftmost placement, unchanged base first): chr2-227273067-TC-T. GRCh37 (hg19) VCF-style: chr2-228137783-TC-T.
Other names: short protein forms Q627fs.
Identifiers: ClinVar variation 1726370 (VCV001726370.2), dbSNP rs2469700927, ClinGen allele CA2580065984.